The following is an entry in ClinVar:

NM_001371928.1(AHDC1):c.4163C>T (p.Thr1388Met)

Gene: AHDC1 (AT-hook DNA binding motif containing 1; minus strand). Cytogenetic location: 1p36.11.
Variant type: single nucleotide variant.
Coding change: c.4163C>T on transcript NM_001371928.1 (MANE Select); coding-DNA position 4163, C replaced by T.
Protein change: p.Thr1388Met; replaces threonine 1388 with methionine.
Molecular consequence: missense variant.
Genome position (GRCh38, 1-based): chr1:27,547,953, G>A on the plus strand (C>T on the coding strand, the complement: AHDC1 is on the minus strand). VCF-style: chr1-27547953-G-A. GRCh37 (hg19) VCF-style: chr1-27874464-G-A.
Other names: c.4163C>T, p.Thr1388Met (NM_001029882.3); c.119C>T, p.Thr40Met (NM_015699.1); short protein forms T1388M, T40M.
Identifiers: ClinVar variation 2190796 (VCV002190796.4), dbSNP rs756355656, ClinGen allele CA715420.

ClinVar aggregate classification (germline): Uncertain significance (1 of 4 stars; one submission).

Allele frequency attached by ClinVar (database versions not stated): TOPMed 0.00001; gnomAD 0.00002; gnomAD exomes 0.00002; ExAC 0.00003.
gnomAD v4.1: 31 of 1,595,620 alleles (0.0019%); highest among the groups gnomAD compares: Admixed American, 0.0084%; no homozygotes.

Submission:

Labcorp Genetics (formerly Invitae), Labcorp
Classification: Uncertain significance. Last evaluated: 2025-07-14. Review status: criteria provided, single submitter. Criteria: Invitae Variant Classification Sherloc (09022015). Collection method: clinical testing. Allele origin: germline.
Comment: This sequence change replaces threonine, which is neutral and polar, with methionine, which is neutral and non-polar, at codon 1388 of the AHDC1 protein (p.Thr1388Met). This variant is present in population databases (rs756355656, gnomAD 0.01%). This variant has not been reported in the literature in individuals affected with AHDC1-related conditions. ClinVar contains an entry for this variant (Variation ID: 2190796). An algorithm developed to predict the effect of missense changes on protein structure and function (PolyPhen-2) suggests that this variant is likely to be disruptive. In summary, the available evidence is currently insufficient to determine the role of this variant in disease. Therefore, it has been classified as a Variant of Uncertain Significance.